The following is an entry in ClinVar:

ClinVar aggregate classification (germline): Uncertain significance (1 of 4 stars; one submission).

Conditions:
SCN2A-related disorder. Also called: SCN2A-related condition; SCN2A-related disorders. Identifiers: MedGen CN382226, MONDO:1060245.

Submission:

Rady Children's Institute for Genomic Medicine, Rady Children's Hospital San Diego
Classification: Uncertain significance for SCN2A-related disorders. Last evaluated: 2024-10-17. Review status: criteria provided, single submitter. Criteria: ACMG Guidelines, 2015. Collection method: clinical testing. Allele origin: germline. Affected: yes.
Comment: Missense variation is an established mechanism of disease for SCN2A-related disorders (PMID: 28379373). The c.5032G>A (p.Gly1678Arg) variant affects a highly conserved amino acid and is predicted by multiple in silico tools to have a deleterious effect on protein function. This variant has not been previously reported or functionally characterized in the literature to our knowledge. The c.5032G>A (p.Gly1678Arg) variant is absent from the latest version of the gnomAD population database and thus is presumed to be rare. Based on parental analysis, this variant likely occurred as a de novo event. Based on the available evidence, c.5032G>A (p.Gly1678Arg) is classified as a Variant of Uncertain Significance.

Literature cited by the submitters: PubMed 28379373.

NM_001040142.2(SCN2A):c.5032G>A (p.Gly1678Arg)

Gene: SCN2A (sodium voltage-gated channel alpha subunit 2; plus strand). Cytogenetic location: 2q24.3.
Variant type: single nucleotide variant.
Coding change: c.5032G>A on transcript NM_001040142.2 (MANE Select); coding-DNA position 5032, G replaced by A.
Protein change: p.Gly1678Arg; replaces glycine 1678 with arginine.
Molecular consequence: missense variant.
Genome position (GRCh38, 1-based): chr2:165,388,838, G>A. VCF-style: chr2-165388838-G-A. GRCh37 (hg19) VCF-style: chr2-166245348-G-A.
Other names: c.5032G>A, p.Gly1678Arg (NM_001040143.2, NM_001371246.1, NM_001371247.1 and 1 more transcripts); short protein forms G1678R.
Identifiers: ClinVar variation 4814185 (VCV004814185.1).